The following is an entry in ClinVar:

NM_001277115.2(DNAH11):c.12344T>G (p.Ile4115Ser)

Gene: DNAH11 (dynein axonemal heavy chain 11; plus strand). Cytogenetic location: 7p15.3.
Variant type: single nucleotide variant.
Coding change: c.12344T>G on transcript NM_001277115.2 (MANE Select); coding-DNA position 12344, T replaced by G.
Protein change: p.Ile4115Ser; replaces isoleucine 4115 with serine.
Molecular consequence: missense variant.
Genome position (GRCh38, 1-based): chr7:21,880,850, T>G. VCF-style: chr7-21880850-T-G. GRCh37 (hg19) VCF-style: chr7-21920468-T-G.
Other names: short protein forms I4115S.
Identifiers: ClinVar variation 454650 (VCV000454650.14), dbSNP rs371418299, ClinGen allele CA4183040.

ClinVar aggregate classification (germline): Benign/Likely benign. Review status: criteria provided, multiple submitters, no conflicts (2 of 4 stars). 3 submissions from 3 submitters: Benign (1); Likely benign (1). 1 of the submissions does not count toward it. Last evaluated 2025-12-15.

Conditions:
DNAH11-related disorder. Also called: DNAH11-related condition.
Primary ciliary dyskinesia. Also called: Ciliary dyskinesia. Identifiers: Orphanet 244, MedGen C0008780, MONDO:0016575, HP:0012265.

Allele frequency attached by ClinVar (database versions not stated): ESP Exome Variant Server 0.00008; gnomAD 0.00008 and 0.00023; TOPMed 0.00009; 1000 Genomes Project 0.00080; 1000 Genomes Project 30x 0.00125.
gnomAD v4.1: 503 of 1,613,542 alleles (0.031%); highest among the groups gnomAD compares: South Asian, 0.43%; 8 homozygotes.

Submissions (3):

Labcorp Genetics (formerly Invitae), Labcorp
Classification: Likely benign for Primary ciliary dyskinesia. Last evaluated: 2025-12-15. Review status: criteria provided, single submitter. Criteria: Invitae Variant Classification Sherloc (09022015). Collection method: clinical testing. Allele origin: germline.

Ambry Genetics
Classification: Benign for Primary ciliary dyskinesia. Last evaluated: 2020-03-19. Review status: criteria provided, single submitter. Criteria: Ambry Variant Classification Scheme 2023. Collection method: clinical testing. Allele origin: germline.

PreventionGenetics, part of Exact Sciences
Classification: Likely benign for DNAH11-related condition. Last evaluated: 2024-08-05. Review status: no assertion criteria provided. Collection method: clinical testing. Allele origin: germline. Not counted in ClinVar's aggregate classification.
Comment: This variant is classified as likely benign based on ACMG/AMP sequence variant interpretation guidelines (Richards et al. 2015 PMID: 25741868, with internal and published modifications).